The following is an entry in ClinVar:

NM_002887.4(RARS1):c.400C>T (p.Pro134Ser)

Gene: RARS1 (arginyl-tRNA synthetase 1; plus strand). Cytogenetic location: 5q34.
Variant type: single nucleotide variant.
Coding change: c.400C>T on transcript NM_002887.4 (MANE Select); coding-DNA position 400, C replaced by T.
Protein change: p.Pro134Ser; replaces proline 134 with serine.
Molecular consequence: missense variant.
Genome position (GRCh38, 1-based): chr5:168,493,924, C>T. VCF-style: chr5-168493924-C-T. GRCh37 (hg19) VCF-style: chr5-167920929-C-T.
Other names: short protein forms P134S.
Identifiers: ClinVar variation 2081830 (VCV002081830.6), dbSNP rs145783542, ClinGen allele CA3549594.

ClinVar aggregate classification (germline): Uncertain significance. Review status: criteria provided, multiple submitters, no conflicts (2 of 4 stars). 3 submissions from 3 submitters: Uncertain significance (3). Last evaluated 2024-07-01.

Conditions:
Inborn genetic diseases. Identifiers: MedGen C0950123, MeSH D030342.

Allele frequency attached by ClinVar (database versions not stated): gnomAD exomes 0.00001; ExAC 0.00006; gnomAD 0.00014; TOPMed 0.00015; ESP Exome Variant Server 0.00023; 1000 Genomes Project 30x 0.00031; 1000 Genomes Project 0.00040.

Submissions (3):

Labcorp Genetics (formerly Invitae), Labcorp
Classification: Uncertain significance. Last evaluated: 2024-07-01. Review status: criteria provided, single submitter. Criteria: Invitae Variant Classification Sherloc (09022015). Collection method: clinical testing. Allele origin: germline.
Comment: This sequence change replaces proline, which is neutral and non-polar, with serine, which is neutral and polar, at codon 134 of the RARS protein (p.Pro134Ser). This variant is present in population databases (rs145783542, gnomAD 0.04%). This variant has not been reported in the literature in individuals affected with RARS-related conditions. ClinVar contains an entry for this variant (Variation ID: 2081830). Advanced modeling of protein sequence and biophysical properties (such as structural, functional, and spatial information, amino acid conservation, physicochemical variation, residue mobility, and thermodynamic stability) performed at Invitae indicates that this missense variant is not expected to disrupt RARS protein function with a negative predictive value of 80%. In summary, the available evidence is currently insufficient to determine the role of this variant in disease. Therefore, it has been classified as a Variant of Uncertain Significance.

GeneDx
Classification: Uncertain significance. Last evaluated: 2024-05-09. Review status: criteria provided, single submitter. Criteria: GeneDx Variant Classification Process June 2021. Collection method: clinical testing. Allele origin: germline. Affected: yes.
Comment: In silico analysis supports that this missense variant has a deleterious effect on protein structure/function; Has not been previously published as pathogenic or benign to our knowledge

Ambry Genetics
Classification: Uncertain significance for Inborn genetic diseases. Last evaluated: 2024-04-19. Review status: criteria provided, single submitter. Criteria: Ambry Variant Classification Scheme 2023. Collection method: clinical testing. Allele origin: germline.